The following is an entry in ClinVar:

ClinVar aggregate classification (germline): Uncertain significance (1 of 4 stars; one submission).

Allele frequency attached by ClinVar (database versions not stated): gnomAD 0.00001 and 0.00004; gnomAD exomes 0.00002 and 0.00003; TOPMed 0.00003; ExAC 0.00006.

Submission:

Labcorp Genetics (formerly Invitae), Labcorp
Classification: Uncertain significance. Last evaluated: 2023-10-18. Review status: criteria provided, single submitter. Criteria: Invitae Variant Classification Sherloc (09022015). Collection method: clinical testing. Allele origin: germline.
Comment: This sequence change replaces alanine, which is neutral and non-polar, with valine, which is neutral and non-polar, at codon 21 of the ERCC6L2 protein (p.Ala21Val). The frequency data for this variant in the population databases is considered unreliable, as metrics indicate poor data quality at this position in the gnomAD database. This variant has not been reported in the literature in individuals affected with ERCC6L2-related conditions. ClinVar contains an entry for this variant (Variation ID: 1035512). Algorithms developed to predict the effect of missense changes on protein structure and function output the following: SIFT: "Not Available"; PolyPhen-2: "Not Available"; Align-GVGD: "Not Available". The valine amino acid residue is found in multiple mammalian species, which suggests that this missense change does not adversely affect protein function. In summary, the available evidence is currently insufficient to determine the role of this variant in disease. Therefore, it has been classified as a Variant of Uncertain Significance.

NM_020207.7(ERCC6L2):c.29C>T (p.Ala10Val)

Gene: ERCC6L2 (ERCC excision repair 6 like 2; plus strand). Cytogenetic location: 9q22.32.
Variant type: single nucleotide variant.
Coding change: c.29C>T on transcript NM_020207.7 (MANE Select); coding-DNA position 29, C replaced by T.
Protein change: p.Ala10Val; replaces alanine 10 with valine.
Molecular consequence: missense variant. On other transcripts: non-coding transcript variant (1).
Genome position (GRCh38, 1-based): chr9:95,876,067, C>T. VCF-style: chr9-95876067-C-T. GRCh37 (hg19) VCF-style: chr9-98638349-C-T.
Other names: c.29C>T, p.Ala10Val (NM_001010895.4, NM_001375291.1, NM_001375292.1 and 2 more transcripts); short protein forms A10V.
Identifiers: ClinVar variation 1035512 (VCV001035512.4), dbSNP rs758889766, ClinGen allele CA5139213.